The following is an entry in ClinVar:

ClinVar aggregate classification (germline): Uncertain significance (1 of 4 stars; one submission).

Submission:

Labcorp Genetics (formerly Invitae), Labcorp
Classification: Uncertain significance. Last evaluated: 2022-04-22. Review status: criteria provided, single submitter. Criteria: Invitae Variant Classification Sherloc (09022015). Collection method: clinical testing. Allele origin: germline.
Comment: In summary, the available evidence is currently insufficient to determine the role of this variant in disease. Therefore, it has been classified as a Variant of Uncertain Significance. This sequence change replaces histidine, which is basic and polar, with leucine, which is neutral and non-polar, at codon 562 of the PACS2 protein (p.His562Leu). This variant is not present in population databases (gnomAD no frequency). This variant has not been reported in the literature in individuals affected with PACS2-related conditions. Algorithms developed to predict the effect of missense changes on protein structure and function (SIFT, PolyPhen-2, Align-GVGD) all suggest that this variant is likely to be tolerated.

NM_001100913.3(PACS2):c.1685A>T (p.His562Leu)

Gene: PACS2 (phosphofurin acidic cluster sorting protein 2; plus strand). Cytogenetic location: 14q32.33.
Variant type: single nucleotide variant.
Coding change: c.1685A>T on transcript NM_001100913.3 (MANE Select); coding-DNA position 1685, A replaced by T.
Protein change: p.His562Leu; replaces histidine 562 with leucine.
Molecular consequence: missense variant.
Genome position (GRCh38, 1-based): chr14:105,383,418, A>T. VCF-style: chr14-105383418-A-T. GRCh37 (hg19) VCF-style: chr14-105849755-A-T.
Other names: c.1448A>T, p.His483Leu (NM_001243127.3); c.1673A>T, p.His558Leu (NM_015197.4); short protein forms H483L, H558L, H562L.
Identifiers: ClinVar variation 1501751 (VCV001501751.8), dbSNP rs2141251214, ClinGen allele CA391183737.